The following is an entry in ClinVar:

ClinVar aggregate classification (germline): Uncertain significance. Review status: criteria provided, multiple submitters, no conflicts (2 of 4 stars). 2 submissions from 2 submitters: Uncertain significance (2). Last evaluated 2025-03-11.

Conditions:
Catecholaminergic polymorphic ventricular tachycardia 1. Also called: RYR2-Related Catecholaminergic Polymorphic Ventricular Tachycardia; VENTRICULAR TACHYCARDIA, CATECHOLAMINERGIC POLYMORPHIC, 1, WITH OR WITHOUT ATRIAL DYSFUNCTION AND/OR DILATED CARDIOMYOPATHY; VENTRICULAR TACHYCARDIA, STRESS-INDUCED POLYMORPHIC 1. Identifiers: Orphanet 3286, MedGen C1631597, MONDO:0011484, OMIM 604772.

Submissions (2):

Labcorp Genetics (formerly Invitae), Labcorp
Classification: Uncertain significance for Catecholaminergic polymorphic ventricular tachycardia 1. Last evaluated: 2025-03-11. Review status: criteria provided, single submitter. Criteria: Invitae Variant Classification Sherloc (09022015). Collection method: clinical testing. Allele origin: germline.
Comment: This sequence change falls in intron 11 of the RYR2 gene. It does not directly change the encoded amino acid sequence of the RYR2 protein. It affects a nucleotide within the consensus splice site. This variant is not present in population databases (gnomAD no frequency). This variant has not been reported in the literature in individuals affected with RYR2-related conditions. ClinVar contains an entry for this variant (Variation ID: 201406). Variants that disrupt the consensus splice site are a relatively common cause of aberrant splicing (PMID: 17576681, 9536098). Algorithms developed to predict the effect of sequence changes on RNA splicing suggest that this variant may disrupt the consensus splice site. In summary, the available evidence is currently insufficient to determine the role of this variant in disease. Therefore, it has been classified as a Variant of Uncertain Significance.

GeneDx
Classification: Uncertain significance. Last evaluated: 2014-08-27. Review status: criteria provided, single submitter. Criteria: GeneDx Variant Classification (06012015). Collection method: clinical testing. Allele origin: germline. Affected: yes.
Comment: c.848+2dupT: IVS11+2dupT in intron 11 of the RYR2 gene (NM_001035.2). The normal sequence with the base that is inserted in braces is TGCgt[t]aagt, with capital letters representing exonic sequence and lower case letters representing intronic sequence. Approximately 50% of patients with autosomal dominant CPVT have been reported to have a mutation in the RYR2 gene, while mutations in the RYR2 gene associated with ARVC are rare (McNally E et al., 2009; Napolitano C et al., 2012). The c.848+2dupT variant has not been published as a mutation, nor has it been reported as a benign polymorphism to our knowledge. The c.848+2dupT variant was not observed in approximately 6300 individuals of European and African American ancestry in the NHLBI Exome Sequencing Project, indicating it is not a common benign variant in these populations. This variant destroys the natural splice donor site in intron 11 and is predicted to cause abnormal gene splicing. However, the vast majority of mutations in RYR2 are missense changes, and only one splice site mutation has been reported in association with CPVT, indicating haploinsufficiency of RYR2 may not be sufficient to cause arrhythmia. In the absence of functional mRNA studies, it is unknown whether this variant is leads to an abnormal message that is subject to nonsense-mediated mRNA decay, or to an abnormal protein product if the message is used for protein translation. Therefore, based on the currently available information, it is unclear whether this variant is a pathogenic mutation or a rare benign variant. The variant is found in ARRHYTHMIA panel(s).

Literature cited by the submitters: PubMed 17576681 (cited by Labcorp Genetics (formerly Invitae), Labcorp); PubMed 9536098 (cited by Labcorp Genetics (formerly Invitae), Labcorp).

NM_001035.3(RYR2):c.848+2dup

Gene: RYR2 (ryanodine receptor 2; plus strand). Cytogenetic location: 1q43.
Variant type: Duplication.
Coding change: c.848+2dup on transcript NM_001035.3 (MANE Select); the canonical splice donor site of the intron after coding-DNA position 848, one base duplicated (T; older notation c.848+2dupT).
Molecular consequence: splice donor variant.
Genome position (GRCh38, 1-based): chr1:237,417,125, T duplicated. VCF-style (leftmost placement, unchanged base first): chr1-237417124-G-GT. GRCh37 (hg19) VCF-style: chr1-237580424-G-GT.
Other names: c.848+2dup (LRG_402t1).
Identifiers: ClinVar variation 201406 (VCV000201406.3), dbSNP rs794728833, ClinGen allele CA011052.
Genomic context (GRCh38, chr1:237,417,124, plus strand): 5'-AGGTGGCGCTGTGTCTGTTCATGCACGTTCCCTTTGGAGACTAGAGACGCTAAGAGTTGC[G>GT]TAAGTAGAACTTCTAAACACAGCCTAATGCACCAAGTGTACCAAATAGCTCAGCGTTGTG-3'